The following is an entry in ClinVar:

NM_015650.4(IFT54):c.1039C>T (p.Arg347Trp)

Gene: IFT54 (intraflagellar transport 54; plus strand). Cytogenetic location: 2q37.3.
Variant type: single nucleotide variant.
Coding change: c.1039C>T on transcript NM_015650.4 (MANE Select); coding-DNA position 1039, C replaced by T.
Protein change: p.Arg347Trp; replaces arginine 347 with tryptophan.
Molecular consequence: missense variant.
Genome position (GRCh38, 1-based): chr2:238,334,011, C>T. VCF-style: chr2-238334011-C-T. GRCh37 (hg19) VCF-style: chr2-239242652-C-T.
Other names: c.1039C>T, p.Arg347Trp (NM_001139490.1); short protein forms R347W.
Identifiers: ClinVar variation 942092 (VCV000942092.6), dbSNP rs149016085, ClinGen allele CA2198235.

ClinVar aggregate classification (germline): Conflicting classifications of pathogenicity. Review status: criteria provided, conflicting classifications (1 of 4 stars). 2 submissions from 2 submitters: Uncertain significance (1); Likely benign (1). Last evaluated 2024-11-04.

Allele frequency attached by ClinVar (database versions not stated): gnomAD exomes 0.00026 and 0.00033; ExAC 0.00035; gnomAD 0.00044; ESP Exome Variant Server 0.00046; TOPMed 0.00053; 1000 Genomes Project 0.00080; 1000 Genomes Project 30x 0.00094.
gnomAD v4.1: 550 of 1,610,848 alleles (0.034%); highest among the groups gnomAD compares: Admixed American, 0.054%; no homozygotes.

Submissions (2):

Blueprint Genetics
Classification: Likely benign. Last evaluated: 2024-11-04. Review status: criteria provided, single submitter. Criteria: ACMG Guidelines, 2015. Collection method: clinical testing. Allele origin: germline.

Labcorp Genetics (formerly Invitae), Labcorp
Classification: Uncertain significance. Last evaluated: 2022-10-13. Review status: criteria provided, single submitter. Criteria: Invitae Variant Classification Sherloc (09022015). Collection method: clinical testing. Allele origin: germline.
Comment: This sequence change replaces arginine, which is basic and polar, with tryptophan, which is neutral and slightly polar, at codon 347 of the TRAF3IP1 protein (p.Arg347Trp). This variant is present in population databases (rs149016085, gnomAD 0.04%). This variant has not been reported in the literature in individuals affected with TRAF3IP1-related conditions. ClinVar contains an entry for this variant (Variation ID: 942092). Advanced modeling of protein sequence and biophysical properties (such as structural, functional, and spatial information, amino acid conservation, physicochemical variation, residue mobility, and thermodynamic stability) performed at Invitae indicates that this missense variant is not expected to disrupt TRAF3IP1 protein function. Algorithms developed to predict the effect of sequence changes on RNA splicing suggest that this variant may disrupt the consensus splice site. In summary, the available evidence is currently insufficient to determine the role of this variant in disease. Therefore, it has been classified as a Variant of Uncertain Significance.